The following is an entry in ClinVar:

ClinVar aggregate classification (germline): Likely benign (1 of 4 stars; one submission).

Submission:

CeGaT Center for Human Genetics Tuebingen
Classification: Likely benign. Last evaluated: 2024-05-01. Review status: criteria provided, single submitter. Criteria: CeGaT Center For Human Genetics Tuebingen Variant Classification Criteria Version 2. Collection method: clinical testing. Allele origin: germline. Affected: yes. Observed: 1 variant allele.
Comment: TP63: PM2:Supporting, BP4, BP7

NM_003722.5(TP63):c.1089A>G (p.Gln363=)

Gene: TP63 (tumor protein p63; plus strand). Cytogenetic location: 3q28.
Variant type: single nucleotide variant.
Coding change: c.1089A>G on transcript NM_003722.5 (MANE Select); coding-DNA position 1089, A replaced by G.
Protein change: p.Gln363=; no amino-acid change (glutamine 363 retained).
Molecular consequence: synonymous variant.
Genome position (GRCh38, 1-based): chr3:189,868,676, A>G. VCF-style: chr3-189868676-A-G. GRCh37 (hg19) VCF-style: chr3-189586465-A-G.
Other names: c.1089A>G, p.Gln363= (NM_001114978.2, NM_001114979.2, NM_001329144.2 and 1 more transcripts); c.807A>G, p.Gln269= (NM_001114980.2, NM_001114981.2, NM_001114982.2 and 2 more transcripts); c.552A>G, p.Gln184= (NM_001329146.2, NM_001329150.2); c.1083A>G, p.Gln361= (NM_001329964.2).
Identifiers: ClinVar variation 3239197 (VCV003239197.19), dbSNP rs2108806836.